The following is an entry in ClinVar:

ClinVar aggregate classification (germline): Uncertain significance. Review status: criteria provided, multiple submitters, no conflicts (2 of 4 stars). 2 submissions from 2 submitters: Uncertain significance (2). Last evaluated 2026-01-09.

Conditions:
Cardiovascular phenotype. Identifiers: MedGen CN230736.
Dilated cardiomyopathy 1W (CMD1W). Identifiers: Orphanet 154, MedGen C1969639, MONDO:0012667, OMIM 611407.

Submissions (2):

Ambry Genetics
Classification: Uncertain significance for Cardiovascular phenotype. Last evaluated: 2026-01-09. Review status: criteria provided, single submitter. Criteria: Ambry Variant Classification Scheme 2023. Collection method: clinical testing. Allele origin: germline.
Comment: The c.1001_1015del15 variant (also known as p.Q334_L338del) is located in coding exon 8 of the VCL gene. This variant results from an in-frame deletion of 15 nucleotides at positions 1001 to 1015. This results in the in-frame deletion of five amino acid residues at codons 334 to 338. The deleted amino acid positions range from highly conserved to not well conserved in available vertebrate species. In addition, the in silico prediction for this alteration is inconclusive (Choi Y et al. PLoS ONE. 2012; 7(10):e46688). Based on the available evidence, the clinical significance of this variant remains unclear.

Labcorp Genetics (formerly Invitae), Labcorp
Classification: Uncertain significance for Dilated cardiomyopathy 1W. Last evaluated: 2025-10-30. Review status: criteria provided, single submitter. Criteria: Invitae Variant Classification Sherloc (09022015). Collection method: clinical testing. Allele origin: germline.
Comment: This variant, c.1001_1015del, results in the deletion of 5 amino acid(s) of the VCL protein (p.Gln334_Leu338del), but otherwise preserves the integrity of the reading frame. This variant is not present in population databases (gnomAD no frequency). This variant has not been reported in the literature in individuals affected with VCL-related conditions. ClinVar contains an entry for this variant (Variation ID: 518824). Experimental studies and prediction algorithms are not available or were not evaluated, and the functional significance of this variant is currently unknown. In summary, the available evidence is currently insufficient to determine the role of this variant in disease. Therefore, it has been classified as a Variant of Uncertain Significance.

NM_014000.3(VCL):c.1001_1015del (p.Gln334_Leu338del)

Gene: VCL (vinculin; plus strand). Cytogenetic location: 10q22.2.
Variant type: Deletion.
Coding change: c.1001_1015del on transcript NM_014000.3 (MANE Select); coding-DNA positions 1001 to 1015, 15 bases deleted (AAGTGGCTGACCTCC).
Protein change: p.Gln334_Leu338del.
Molecular consequence: inframe deletion.
Genome position (GRCh38, 1-based): chr10:74,083,492-74,083,506, AAGTGGCTGACCTCC deleted; deleting any 15 consecutive bases within chr10:74,083,491-74,083,506 gives the same sequence; the c. name uses the placement nearest the transcript's 3' end. VCF-style (leftmost placement, unchanged base first): chr10-74083490-TCAAGTGGCTGACCTC-T. GRCh37 (hg19) VCF-style: chr10-75843248-TCAAGTGGCTGACCTC-T.
Other names: c.1001_1015del, p.Gln334_Leu338del (NM_003373.4); c.1001_1015del15 (NM_014000.2).
Identifiers: ClinVar variation 518824 (VCV000518824.7), dbSNP rs1554817370, ClinGen allele CA658797443.